The following is an entry in ClinVar:

ClinVar aggregate classification (germline): Pathogenic. Review status: criteria provided, multiple submitters, no conflicts (2 of 4 stars). 2 submissions from 2 submitters: Pathogenic (2). Last evaluated 2025-01-23.

Conditions:
Kartagener syndrome (CILD1). Also called: CILIARY DYSKINESIA, PRIMARY, 1; CILIARY DYSKINESIA, PRIMARY, 1, WITH OR WITHOUT SITUS INVERSUS; IMMOTILE CILIA SYNDROME; POLYNESIAN BRONCHIECTASIS; Dextrocardia bronchiectasis and sinusitis; SIEWERT SYNDROME. Identifiers: Orphanet 244, MedGen C4551906, MONDO:0009484, OMIM 244400.
Primary ciliary dyskinesia. Also called: Ciliary dyskinesia. Identifiers: Orphanet 244, MedGen C0008780, MONDO:0016575, HP:0012265.

Submissions (2):

Labcorp Genetics (formerly Invitae), Labcorp
Classification: Pathogenic for Primary ciliary dyskinesia. Last evaluated: 2025-01-23. Review status: criteria provided, single submitter. Criteria: Invitae Variant Classification Sherloc (09022015). Collection method: clinical testing. Allele origin: germline.
Comment: This sequence change creates a premature translational stop signal (p.Arg218Glnfs*15) in the DNAI1 gene. It is expected to result in an absent or disrupted protein product. Loss-of-function variants in DNAI1 are known to be pathogenic (PMID: 16858015, 29363216). This variant is not present in population databases (gnomAD no frequency). This variant has not been reported in the literature in individuals affected with DNAI1-related conditions. For these reasons, this variant has been classified as Pathogenic.

Myriad Genetics, Inc.
Classification: Pathogenic for Kartagener syndrome. Last evaluated: 2024-03-27. Review status: criteria provided, single submitter. Criteria: Myriad Autosomal Dominant, Autosomal Recessive and X-Linked Classification Criteria (2023). Collection method: clinical testing. Allele origin: unknown.
Comment: NM_012144.2(DNAI1):c.651dupC(R218Qfs*15) is expected to be pathogenic in the context of primary ciliary dyskinesia, DNAI1-related. This variant is predicted to lead to an abnormal or absent protein product due to the creation of a premature termination codon in DNAI1, a gene where loss-of-function variants are known to be pathogenic. Please note: this variant was assessed in the context of healthy population screening.

Literature cited by the submitters: PubMed 16858015 (cited by Labcorp Genetics (formerly Invitae), Labcorp); PubMed 29363216 (cited by Labcorp Genetics (formerly Invitae), Labcorp).

NM_012144.4(DNAI1):c.651dup (p.Arg218fs)

Gene: DNAI1 (dynein axonemal intermediate chain 1; plus strand). Cytogenetic location: 9p13.3.
Variant type: Duplication.
Coding change: c.651dup on transcript NM_012144.4 (MANE Select); coding-DNA position 651, one base duplicated (C; older notation c.651dupC).
Protein change: p.Arg218fs; shifts the reading frame from arginine 218.
Molecular consequence: frameshift variant.
Genome position (GRCh38, 1-based): chr9:34,491,524, C duplicated; the last of 3 consecutive C bases (chr9:34,491,522-34,491,524); duplicating any one gives the same sequence. VCF-style (leftmost placement, unchanged base first): chr9-34491521-T-TC. GRCh37 (hg19) VCF-style: chr9-34491519-T-TC.
Other names: c.663dup, p.Arg222fs (NM_001281428.2); short protein forms R222fs, R218fs.
Identifiers: ClinVar variation 3707752 (VCV003707752.3).